The following is an entry in ClinVar:

NM_152447.5(LRFN5):c.575C>T (p.Ser192Phe)

Gene: LRFN5 (leucine rich repeat and fibronectin type III domain containing 5; plus strand). Cytogenetic location: 14q21.1.
Variant type: single nucleotide variant.
Coding change: c.575C>T on transcript NM_152447.5 (MANE Select); coding-DNA position 575, C replaced by T.
Protein change: p.Ser192Phe; replaces serine 192 with phenylalanine.
Molecular consequence: missense variant. On other transcripts: non-coding transcript variant (2).
Genome position (GRCh38, 1-based): chr14:41,887,200, C>T. VCF-style: chr14-41887200-C-T. GRCh37 (hg19) VCF-style: chr14-42356403-C-T.
Other names: c.575C>T, p.Ser192Phe (NM_001330106.2, NM_001346173.2, NM_001346175.2); short protein forms S192F.
Identifiers: ClinVar variation 224999 (VCV000224999.3), dbSNP rs869312921, ClinGen allele CA358077.

ClinVar aggregate classification (germline): Uncertain significance (1 of 4 stars; one submission).

Conditions:
Inborn genetic diseases. Identifiers: MedGen C0950123, MeSH D030342.

Allele frequency attached by ClinVar (database versions not stated): gnomAD exomes below 0.00001 and 0.00001; TOPMed 0.00001; gnomAD 0.00003.
gnomAD v4.1: 17 of 1,614,096 alleles (0.0011%); highest among the groups gnomAD compares: Non-Finnish European, 0.0014%; no homozygotes.

Submission:

Ambry Genetics
Classification: Uncertain significance for Inborn genetic diseases. Last evaluated: 2014-01-13. Review status: criteria provided, single submitter. Criteria: Ambry Autosomal Dominant and X-Linked criteria (10/2015). Collection method: clinical testing. Allele origin: germline. Observed: 1 variant allele.
Comment: There is insufficient or conflicting evidence for classification of this alteration.